The following is an entry in ClinVar:

NM_000081.4(LYST):c.297G>A (p.Pro99=)

Gene: LYST (lysosomal trafficking regulator; minus strand). Cytogenetic location: 1q42.3.
Variant type: single nucleotide variant.
Coding change: c.297G>A on transcript NM_000081.4 (MANE Select); coding-DNA position 297, G replaced by A.
Protein change: p.Pro99=; no amino-acid change (proline 99 retained).
Molecular consequence: synonymous variant.
Genome position (GRCh38, 1-based): chr1:235,810,521, C>T on the plus strand (G>A on the coding strand, the complement: LYST is on the minus strand). VCF-style: chr1-235810521-C-T. GRCh37 (hg19) VCF-style: chr1-235973821-C-T.
Other names: c.297G>A, p.Pro99= (NM_001301365.1); c.297G>A (NM_000081.3, NM_000081.2).
Identifiers: ClinVar variation 1572279 (VCV001572279.11), dbSNP rs754898913, ClinGen allele CA1467652.

ClinVar aggregate classification (germline): Likely benign. Review status: criteria provided, multiple submitters, no conflicts (2 of 4 stars). 3 submissions from 3 submitters: Likely benign (2). 1 of the submissions does not count toward it. Last evaluated 2025-06-27.

Conditions:
Chédiak-Higashi syndrome (CHS). Also called: Chediak-Higashi Syndrome. Identifiers: Orphanet 167, MedGen C0007965, MONDO:0008963, OMIM 214500.
LYST-related disorder. Also called: LYST-related condition.
Inborn genetic diseases. Identifiers: MedGen C0950123, MeSH D030342.

Allele frequency attached by ClinVar (database versions not stated): ExAC 0.00003; gnomAD 0.00003; TOPMed 0.00004.
gnomAD v4.1: 62 of 1,611,112 alleles (0.0038%); highest among the groups gnomAD compares: East Asian, 0.0067%; no homozygotes.

Submissions (3):

Labcorp Genetics (formerly Invitae), Labcorp
Classification: Likely benign for Chédiak-Higashi syndrome. Last evaluated: 2025-06-27. Review status: criteria provided, single submitter. Criteria: Invitae Variant Classification Sherloc (09022015). Collection method: clinical testing. Allele origin: germline.

Ambry Genetics
Classification: Likely benign for Inborn genetic diseases. Last evaluated: 2023-12-16. Review status: criteria provided, single submitter. Criteria: Ambry Variant Classification Scheme 2023. Collection method: clinical testing. Allele origin: germline.

PreventionGenetics, part of Exact Sciences
Classification: Likely benign for LYST-related condition. Last evaluated: 2023-12-14. Review status: no assertion criteria provided. Collection method: clinical testing. Allele origin: germline. Not counted in ClinVar's aggregate classification.
Comment: This variant is classified as likely benign based on ACMG/AMP sequence variant interpretation guidelines (Richards et al. 2015 PMID: 25741868, with internal and published modifications).